The following is an entry in ClinVar:

ClinVar aggregate classification (germline): Uncertain significance (1 of 4 stars; one submission).

Submission:

Ambry Genetics
Classification: Uncertain significance. Last evaluated: 2025-03-23. Review status: criteria provided, single submitter. Criteria: Ambry Variant Classification Scheme 2023. Collection method: clinical testing. Allele origin: germline.
Comment: The p.E1033Q variant (also known as c.3097G>C), located in coding exon 19 of the MYOM1 gene, results from a G to C substitution at nucleotide position 3097. The glutamic acid at codon 1033 is replaced by glutamine, an amino acid with highly similar properties. This amino acid position is conserved. In addition, the in silico prediction for this alteration is inconclusive. Based on the available evidence, the clinical significance of this variant remains unclear.

NM_003803.4(MYOM1):c.3097G>C (p.Glu1033Gln)

Gene: MYOM1 (myomesin 1; minus strand). Cytogenetic location: 18p11.31.
Variant type: single nucleotide variant.
Coding change: c.3097G>C on transcript NM_003803.4 (MANE Select); coding-DNA position 3097, G replaced by C.
Protein change: p.Glu1033Gln; replaces glutamic acid 1033 with glutamine.
Molecular consequence: missense variant.
Genome position (GRCh38, 1-based): chr18:3,119,890, C>G on the plus strand (G>C on the coding strand, the complement: MYOM1 is on the minus strand). VCF-style: chr18-3119890-C-G. GRCh37 (hg19) VCF-style: chr18-3119888-C-G.
Other names: c.2809G>C, p.Glu937Gln (NM_019856.2); short protein forms E1033Q, E937Q.
Identifiers: ClinVar variation 3916543 (VCV003916543.1).